The following is an entry in ClinVar:

NM_000416.3(IFNGR1):c.779T>G (p.Val260Gly)

Gene: IFNGR1 (interferon gamma receptor 1; minus strand). Cytogenetic location: 6q23.3.
Variant type: single nucleotide variant.
Coding change: c.779T>G on transcript NM_000416.3 (MANE Select); coding-DNA position 779, T replaced by G.
Protein change: p.Val260Gly; replaces valine 260 with glycine.
Molecular consequence: missense variant.
Genome position (GRCh38, 1-based): chr6:137,200,963, A>C on the plus strand (T>G on the coding strand, the complement: IFNGR1 is on the minus strand). VCF-style: chr6-137200963-A-C. GRCh37 (hg19) VCF-style: chr6-137522100-A-C.
Other names: c.749T>G, p.Val250Gly (NM_001363526.1); c.656T>G, p.Val219Gly (NM_001363527.1); short protein forms V219G, V260G, V250G.
Identifiers: ClinVar variation 4762737 (VCV004762737.1).
Genomic context (GRCh38, chr6:137,200,963, plus strand): 5'-CTTTTTTCCTTCAATGGATTAATTTTCTTAATATAAAAACAGATGAATACCAGGCTAAGC[A>C]CTAGAAAGAGTAGTAAAGCAGCAACAACTGGAATCCAAAGAGAACCTTAAAAAAGGCAGA-3'
Protein context (NP_000407.1, residues 250-270): PVVAALLLFL[Val260Gly]LSLVFICFYI

ClinVar aggregate classification (germline): Uncertain significance (1 of 4 stars; one submission).

Conditions:
Disseminated atypical mycobacterial infection. Identifiers: MedGen C0694566.

gnomAD v4.1: 1 of 1,613,042 alleles (0.000062%); highest among the groups gnomAD compares: African/African-American, 0.0013%; no homozygotes.

Submission:

Labcorp Genetics (formerly Invitae), Labcorp
Classification: Uncertain significance for Disseminated atypical mycobacterial infection. Last evaluated: 2025-10-04. Review status: criteria provided, single submitter. Criteria: Invitae Variant Classification Sherloc (09022015). Collection method: clinical testing. Allele origin: germline.
Comment: This sequence change replaces valine, which is neutral and non-polar, with glycine, which is neutral and non-polar, at codon 260 of the IFNGR1 protein (p.Val260Gly). This variant is not present in population databases (gnomAD no frequency). This variant has not been reported in the literature in individuals affected with IFNGR1-related conditions. Invitae Evidence Modeling of protein sequence and biophysical properties (such as structural, functional, and spatial information, amino acid conservation, physicochemical variation, residue mobility, and thermodynamic stability) indicates that this missense variant is not expected to disrupt IFNGR1 protein function with a negative predictive value of 80%. In summary, the available evidence is currently insufficient to determine the role of this variant in disease. Therefore, it has been classified as a Variant of Uncertain Significance.